The following is an entry in ClinVar:

NM_001048174.2(MUTYH):c.937C>G (p.Leu313Val)

Gene: MUTYH (mutY DNA glycosylase; minus strand). Cytogenetic location: 1p34.1.
Variant type: single nucleotide variant.
Coding change: c.937C>G on transcript NM_001048174.2 (MANE Select); coding-DNA position 937, C replaced by G.
Protein change: p.Leu313Val; replaces leucine 313 with valine.
Molecular consequence: missense variant. On other transcripts: non-coding transcript variant (7).
Genome position (GRCh38, 1-based): chr1:45,331,826, G>C on the plus strand (C>G on the coding strand, the complement: MUTYH is on the minus strand). VCF-style: chr1-45331826-G-C. GRCh37 (hg19) VCF-style: chr1-45797498-G-C.
Other names: c.937C>G, p.Leu313Val (NM_001048171.2, NM_001048173.2, NM_001293195.2 and 6 more transcripts); c.940C>G, p.Leu314Val (NM_001048172.2, NM_001407071.1, NM_001407078.1 and 1 more transcripts); c.1021C>G, p.Leu341Val (NM_001128425.2); c.982C>G, p.Leu328Val (NM_001293190.2); c.970C>G, p.Leu324Val (NM_001293191.2, NM_001407069.1, NM_001407077.1); c.661C>G, p.Leu221Val (NM_001293192.2, NM_001293196.2, NM_001407091.1); c.592C>G, p.Leu198Val (NM_001350650.2, NM_001350651.2, NM_001407082.1); c.853C>G, p.Leu285Val (NM_001407075.1); and 5 more; short protein forms L198V, L221V, L320V, L324V, L341V, L313V, L314V, L285V.
Identifiers: ClinVar variation 4112933 (VCV004112933.1).

ClinVar aggregate classification (germline): Uncertain significance (1 of 4 stars; one submission).

Conditions:
Hereditary cancer-predisposing syndrome. Also called: Tumor predisposition; Neoplastic Syndromes, Hereditary; Hereditary neoplastic syndrome; Hereditary Cancer Syndrome. Identifiers: Orphanet 140162, MedGen C0027672, MeSH D009386, MONDO:0015356.

gnomAD v4.1: 1 of 1,607,748 alleles (0.000062%); highest among the groups gnomAD compares: South Asian, 0.0011%; no homozygotes.

Submission:

Ambry Genetics
Classification: Uncertain significance for Hereditary cancer-predisposing syndrome. Last evaluated: 2025-08-27. Review status: criteria provided, single submitter. Criteria: Ambry Variant Classification Scheme 2023. Collection method: clinical testing. Allele origin: germline.
Comment: The p.L341V variant (also known as c.1021C>G), located in coding exon 12 of the MUTYH gene, results from a C to G substitution at nucleotide position 1021. The leucine at codon 341 is replaced by valine, an amino acid with highly similar properties. This amino acid position is conserved. In addition, this alteration is predicted to be tolerated by in silico analysis. Based on the available evidence, the clinical significance of this variant remains unclear.